The following is an entry in ClinVar:

ClinVar aggregate classification (germline): Likely benign. Review status: criteria provided, single submitter (1 of 4 stars). 2 submissions from 2 submitters: Likely benign (1). 1 of the submissions does not count toward it. Last evaluated 2024-11-27.

Conditions:
VWF-related disorder. Also called: VWF-related disorders; VWF-related condition.

Allele frequency attached by ClinVar (database versions not stated): gnomAD exomes 0.00010; ExAC 0.00024; gnomAD 0.00064; TOPMed 0.00065; ESP Exome Variant Server 0.00069; 1000 Genomes Project 30x 0.00094; 1000 Genomes Project 0.00100.
gnomAD v4.1: 249 of 1,614,092 alleles (0.015%); highest among the groups gnomAD compares: African/African-American, 0.2%; 1 homozygote.

Submissions (2):

Blueprint Genetics
Classification: Likely benign. Last evaluated: 2024-11-27. Review status: criteria provided, single submitter. Criteria: ACMG Guidelines, 2015. Collection method: clinical testing. Allele origin: germline.

PreventionGenetics, part of Exact Sciences
Classification: Likely benign for VWF-related condition. Last evaluated: 2019-10-28. Review status: no assertion criteria provided. Collection method: clinical testing. Allele origin: germline. Not counted in ClinVar's aggregate classification.
Comment: This variant is classified as likely benign based on ACMG/AMP sequence variant interpretation guidelines (Richards et al. 2015 PMID: 25741868, with internal and published modifications).

NM_000552.5(VWF):c.2814C>T (p.Asp938=)

Gene: VWF (von Willebrand factor; minus strand). Cytogenetic location: 12p13.31.
Variant type: single nucleotide variant.
Coding change: c.2814C>T on transcript NM_000552.5 (MANE Select); coding-DNA position 2814, C replaced by T.
Protein change: p.Asp938=; no amino-acid change (aspartic acid 938 retained).
Molecular consequence: synonymous variant.
Genome position (GRCh38, 1-based): chr12:6,031,450, G>A on the plus strand (C>T on the coding strand, the complement: VWF is on the minus strand). VCF-style: chr12-6031450-G-A. GRCh37 (hg19) VCF-style: chr12-6140616-G-A.
Identifiers: ClinVar variation 3040652 (VCV003040652.3), dbSNP rs139622018, ClinGen allele CA6402951.
Genomic context (GRCh38, chr12:6,031,450, plus strand): 5'-TAAGTGGCAGAAGCACAAAGCGGGACATGAGGGTGGAGATGAGGCTGCACTTACCTCCCC[G>A]TCAAACAGCTCAATCTCTCCTCCCTCCACCAGGATGGTGACCCGTTTCTTGCATTTCACT-3'
Protein context (NP_000543.3, residues 928-948): LVEGGEIELF[Asp938=]GEVNVKRPMK